The following is an entry in ClinVar:

NM_000492.4(CFTR):c.508C>A (p.Arg170Ser)

Gene: CFTR (CF transmembrane conductance regulator; plus strand). Cytogenetic location: 7q31.2.
Variant type: single nucleotide variant.
Coding change: c.508C>A on transcript NM_000492.4 (MANE Select); coding-DNA position 508, C replaced by A.
Protein change: p.Arg170Ser; replaces arginine 170 with serine.
Molecular consequence: missense variant.
Genome position (GRCh38, 1-based): chr7:117,534,294, C>A. VCF-style: chr7-117534294-C-A. GRCh37 (hg19) VCF-style: chr7-117174348-C-A.
Other names: c.508C>A (NM_000492.3); short protein forms R170S.
Identifiers: ClinVar variation 1053721 (VCV001053721.6), dbSNP rs578029902, ClinGen allele CA4450747.

ClinVar aggregate classification (germline): Uncertain significance. Review status: criteria provided, multiple submitters, no conflicts (2 of 4 stars). 4 submissions from 4 submitters: Uncertain significance (3). 1 of the submissions does not count toward it. Last evaluated 2024-05-02.

Conditions:
Cystic fibrosis (CF). Also called: MUCOVISCIDOSIS. Identifiers: Orphanet 586, MedGen C0010674, MONDO:0009061, OMIM 219700. Disease mechanism: loss of function.
CFTR-related disorder (CFTR-RD). Also called: CFTR-related disorders; CFTR-related condition. Identifiers: MedGen C5924204, MONDO:7770004.

Submissions (4):

Women's Health and Genetics/Laboratory Corporation of America, LabCorp
Classification: Uncertain significance. Last evaluated: 2024-05-02. Review status: criteria provided, single submitter. Criteria: LabCorp Variant Classification Summary - May 2015. Collection method: clinical testing. Allele origin: germline.
Comment: Variant summary: CFTR c.508C>A (p.Arg170Ser) results in a non-conservative amino acid change located in the ABC transporter type 1, transmembrane domain of the encoded protein sequence. Two of three in-silico tools predict a damaging effect of the variant on protein function. The variant allele was found at a frequency of 1.2e-05 in 250410 control chromosomes. The available data on variant occurrences in the general population are insufficient to allow any conclusion about variant significance. To our knowledge, no occurrence of c.508C>A in individuals affected with Chronic Pancreatitis Risk and no experimental evidence demonstrating its impact on protein function have been reported. ClinVar contains an entry for this variant (Variation ID: 1053721). Based on the evidence outlined above, the variant was classified as uncertain significance.

Ambry Genetics
Classification: Uncertain significance for Cystic fibrosis. Last evaluated: 2022-11-05. Review status: criteria provided, single submitter. Criteria: Ambry Variant Classification Scheme 2023. Collection method: clinical testing. Allele origin: germline.
Comment: The p.R170S variant (also known as c.508C>A), located in coding exon 5 of the CFTR gene, results from a C to A substitution at nucleotide position 508. The arginine at codon 170 is replaced by serine, an amino acid with dissimilar properties. This amino acid position is conserved. In addition, the in silico prediction for this alteration is inconclusive. Since supporting evidence is limited at this time, the clinical significance of this alteration remains unclear.

Labcorp Genetics (formerly Invitae), Labcorp
Classification: Uncertain significance for Cystic fibrosis. Last evaluated: 2021-08-28. Review status: criteria provided, single submitter. Criteria: Invitae Variant Classification Sherloc (09022015). Collection method: clinical testing. Allele origin: germline.
Comment: This sequence change replaces arginine with serine at codon 170 of the CFTR protein (p.Arg170Ser). The arginine residue is moderately conserved and there is a moderate physicochemical difference between arginine and serine. This variant is present in population databases (rs578029902, ExAC 0.006%). This variant has not been reported in the literature in individuals affected with CFTR-related conditions. Algorithms developed to predict the effect of missense changes on protein structure and function (SIFT, PolyPhen-2, Align-GVGD) all suggest that this variant is likely to be tolerated. In summary, the available evidence is currently insufficient to determine the role of this variant in disease. Therefore, it has been classified as a Variant of Uncertain Significance.

Natera, Inc.
Classification: Uncertain significance for CFTR-related disorders. Last evaluated: 2019-02-08. Review status: no assertion criteria provided. Collection method: clinical testing. Allele origin: germline. Not counted in ClinVar's aggregate classification.